The following is an entry in ClinVar:

ClinVar aggregate classification (germline): Uncertain significance (1 of 4 stars; one submission).

Allele frequency attached by ClinVar (database versions not stated): gnomAD 0.00001; TOPMed 0.00001.

Submission:

Labcorp Genetics (formerly Invitae), Labcorp
Classification: Uncertain significance. Last evaluated: 2023-04-05. Review status: criteria provided, single submitter. Criteria: Invitae Variant Classification Sherloc (09022015). Collection method: clinical testing. Allele origin: germline.
Comment: This sequence change replaces glycine, which is neutral and non-polar, with glutamic acid, which is acidic and polar, at codon 176 of the ADGRV1 protein (p.Gly176Glu). This variant is not present in population databases (gnomAD no frequency). This variant has not been reported in the literature in individuals affected with ADGRV1-related conditions. ClinVar contains an entry for this variant (Variation ID: 964301). Advanced modeling of protein sequence and biophysical properties (such as structural, functional, and spatial information, amino acid conservation, physicochemical variation, residue mobility, and thermodynamic stability) has been performed at Invitae for this missense variant, however the output from this modeling did not meet the statistical confidence thresholds required to predict the impact of this variant on ADGRV1 protein function. In summary, the available evidence is currently insufficient to determine the role of this variant in disease. Therefore, it has been classified as a Variant of Uncertain Significance.

NM_032119.4(ADGRV1):c.527G>A (p.Gly176Glu)

Gene: ADGRV1 (adhesion G protein-coupled receptor V1; plus strand). Cytogenetic location: 5q14.3.
Variant type: single nucleotide variant.
Coding change: c.527G>A on transcript NM_032119.4 (MANE Select); coding-DNA position 527, G replaced by A.
Protein change: p.Gly176Glu; replaces glycine 176 with glutamic acid.
Molecular consequence: missense variant. On other transcripts: non-coding transcript variant (1).
Genome position (GRCh38, 1-based): chr5:90,622,670, G>A. VCF-style: chr5-90622670-G-A. GRCh37 (hg19) VCF-style: chr5-89918487-G-A.
Other names: short protein forms G176E.
Identifiers: ClinVar variation 964301 (VCV000964301.9), dbSNP rs1362569158, ClinGen allele CA360363419.
Genomic context (GRCh38, chr5:90,622,670, plus strand): 5'-CAGTGAGTGAGCCCAAGGGCAGAAATGAGTCTATGCCTCTTACTCTCATCAGGGAAAAGG[G>A]AACCTATGGAATGGTCATGGTGACTTTTGAGGTAAGTTTACTCTGAAGTCATTTTATTTT-3'
Protein context (NP_115495.3, residues 166-186): SMPLTLIREK[Gly176Glu]TYGMVMVTFE